The following is an entry in ClinVar:

ClinVar aggregate classification (germline): Uncertain significance (1 of 4 stars; one submission).

Conditions:
Lethal congenital glycogen storage disease of heart. Also called: PHOSPHORYLASE KINASE DEFICIENCY OF HEART; GLYCOGEN STORAGE DISEASE OF HEART. Identifiers: Orphanet 439854, MedGen C1849813, MONDO:0009867, OMIM 261740.

Allele frequency attached by ClinVar (database versions not stated): gnomAD exomes 0.00001.
gnomAD v4.1: 3 of 1,411,346 alleles (0.00021%); highest among the groups gnomAD compares: Admixed American, 0.0021%; no homozygotes.

Submission:

Labcorp Genetics (formerly Invitae), Labcorp
Classification: Uncertain significance for Lethal congenital glycogen storage disease of heart. Last evaluated: 2023-03-20. Review status: criteria provided, single submitter. Criteria: Invitae Variant Classification Sherloc (09022015). Collection method: clinical testing. Allele origin: germline.
Comment: This sequence change replaces proline, which is neutral and non-polar, with serine, which is neutral and polar, at codon 237 of the PRKAG2 protein (p.Pro237Ser). This variant is not present in population databases (gnomAD no frequency). This variant has not been reported in the literature in individuals affected with PRKAG2-related conditions. Advanced modeling of protein sequence and biophysical properties (such as structural, functional, and spatial information, amino acid conservation, physicochemical variation, residue mobility, and thermodynamic stability) has been performed at Invitae for this missense variant, however the output from this modeling did not meet the statistical confidence thresholds required to predict the impact of this variant on PRKAG2 protein function. In summary, the available evidence is currently insufficient to determine the role of this variant in disease. Therefore, it has been classified as a Variant of Uncertain Significance.

NM_016203.4(PRKAG2):c.709C>T (p.Pro237Ser)

Genes: PRKAG2 (protein kinase AMP-activated non-catalytic subunit gamma 2; minus strand), LOC129999660 (ATAC-STARR-seq lymphoblastoid silent region 18823; plus strand). Cytogenetic location: 7q36.1.
Variant type: single nucleotide variant.
Coding change: c.709C>T on transcript NM_016203.4 (MANE Select); coding-DNA position 709, C replaced by T.
Protein change: p.Pro237Ser; replaces proline 237 with serine.
Molecular consequence: missense variant. On other transcripts: 5 prime UTR variant (7), intron variant (3).
Genome position (GRCh38, 1-based): chr7:151,632,114, G>A on the plus strand (C>T on the coding strand, the complement: PRKAG2 is on the minus strand). VCF-style: chr7-151632114-G-A. GRCh37 (hg19) VCF-style: chr7-151329200-G-A.
Other names: c.577C>T, p.Pro193Ser (NM_001040633.2, NM_001407024.1, NM_001407026.1 and 1 more transcripts); c.337C>T, p.Pro113Ser (NM_001304527.2, NM_001363698.2, NM_001407028.1 and 1 more transcripts); c.-15C>T (NM_001304531.2, NM_001407034.1, NM_001407035.1 and 4 more transcripts); c.709C>T, p.Pro237Ser (NM_001407021.1, NM_001407022.1, NM_001407023.1); c.391C>T, p.Pro131Ser (NM_001407032.1); c.385C>T, p.Pro129Ser (NM_001407033.1); c.37C>T, p.Pro13Ser (NM_001407038.1); c.467-36663C>T (NM_001407031.1); and 2 more; short protein forms P193S, P237S, P113S, P129S, P131S, P13S.
Identifiers: ClinVar variation 2954934 (VCV002954934.3), dbSNP rs1443389660, ClinGen allele CA370071315.